The following is an entry in ClinVar:

NM_004453.4(ETFDH):c.-75A>G

Gene: ETFDH (electron transfer flavoprotein dehydrogenase; plus strand). Cytogenetic location: 4q32.1.
Variant type: single nucleotide variant.
Coding change: c.-75A>G on transcript NM_004453.4 (MANE Select); 75 bases upstream of the start codon, A replaced by G.
Molecular consequence: 5 prime UTR variant.
Genome position (GRCh38, 1-based): chr4:158,672,382, A>G. VCF-style: chr4-158672382-A-G. GRCh37 (hg19) VCF-style: chr4-159593534-A-G.
Other names: c.-75A>G (NM_001281737.2).
Identifiers: ClinVar variation 3233947 (VCV003233947.2), dbSNP rs1001221143, ClinGen allele CA108842188.

ClinVar aggregate classification (germline): Uncertain significance (1 of 4 stars; one submission).

Allele frequency attached by ClinVar (database versions not stated): gnomAD exomes below 0.00001; gnomAD 0.00001; TOPMed 0.00001.
gnomAD v4.1: 3 of 1,523,522 alleles (0.0002%); highest among the groups gnomAD compares: African/African-American, 0.0041%; no homozygotes.

Submission:

Women's Health and Genetics/Laboratory Corporation of America, LabCorp
Classification: Uncertain significance. Last evaluated: 2024-03-14. Review status: criteria provided, single submitter. Criteria: LabCorp Variant Classification Summary - May 2015. Collection method: clinical testing. Allele origin: germline.
Comment: Variant summary: ETFDH c.-75A>G is located in the untranslated mRNA region upstream of the initiation codon. The variant was absent in 250948 control chromosomes (gnomAD). The available data on variant occurrences in the general population are insufficient to allow any conclusion about variant significance. c.-75A>G has been reported in the literature in individuals affected with Multiple acyl-CoA dehydrogenase deficiency (e.g. Wen_2013, Lyu_2019). In one of these patients, the variant allele expressed a reduced level of transcript (Wen_2013), suggesting it may affect transcription. The following publications have been ascertained in the context of this evaluation (PMID: 23628458, 30897595). No submitters have cited clinical-significance assessments for this variant to ClinVar. Based on the evidence outlined above, the variant was classified as uncertain significance.

Literature cited by the submitters: PubMed 30897595; PubMed 23628458.